The following is an entry in ClinVar:

ClinVar aggregate classification (germline): Uncertain significance. Review status: criteria provided, multiple submitters, no conflicts (2 of 4 stars). 2 submissions from 2 submitters: Uncertain significance (2). Last evaluated 2025-07-28.

Allele frequency attached by ClinVar (database versions not stated): ExAC 0.00004; gnomAD 0.00007; gnomAD exomes 0.00009; TOPMed 0.00012; 1000 Genomes Project 30x 0.00016; 1000 Genomes Project 0.00020.
gnomAD v4.1: 139 of 1,613,556 alleles (0.0086%); highest among the groups gnomAD compares: Non-Finnish European, 0.011%; no homozygotes.

Submissions (2):

Labcorp Genetics (formerly Invitae), Labcorp
Classification: Uncertain significance. Last evaluated: 2025-07-28. Review status: criteria provided, single submitter. Criteria: Invitae Variant Classification Sherloc (09022015). Collection method: clinical testing. Allele origin: germline.
Comment: This sequence change replaces leucine, which is neutral and non-polar, with methionine, which is neutral and non-polar, at codon 2232 of the HSPG2 protein (p.Leu2232Met). This variant is present in population databases (rs558851628, gnomAD 0.004%). This variant has not been reported in the literature in individuals affected with HSPG2-related conditions. ClinVar contains an entry for this variant (Variation ID: 1900646). An algorithm developed to predict the effect of missense changes on protein structure and function (PolyPhen-2) suggests that this variant is likely to be tolerated. In summary, the available evidence is currently insufficient to determine the role of this variant in disease. Therefore, it has been classified as a Variant of Uncertain Significance.

GeneDx
Classification: Uncertain significance. Last evaluated: 2022-09-09. Review status: criteria provided, single submitter. Criteria: GeneDx Variant Classification Process June 2021. Collection method: clinical testing. Allele origin: germline. Affected: yes.
Comment: In silico analysis supports that this missense variant does not alter protein structure/function; Has not been previously published as pathogenic or benign to our knowledge

NM_005529.7(HSPG2):c.6694C>A (p.Leu2232Met)

Genes: HSPG2 (heparan sulfate proteoglycan 2; minus strand), LOC126805655 (CDK7 strongly-dependent group 2 enhancer GRCh37_chr1:22178409-22179608; plus strand). Cytogenetic location: 1p36.12.
Variant type: single nucleotide variant.
Coding change: c.6694C>A on transcript NM_005529.7 (MANE Select); coding-DNA position 6694, C replaced by A.
Protein change: p.Leu2232Met; replaces leucine 2232 with methionine.
Molecular consequence: missense variant.
Genome position (GRCh38, 1-based): chr1:21,852,730, G>T on the plus strand (C>A on the coding strand, the complement: HSPG2 is on the minus strand). VCF-style: chr1-21852730-G-T. GRCh37 (hg19) VCF-style: chr1-22179223-G-T.
Other names: c.6694C>A (NM_005529.5); c.6697C>A, p.Leu2233Met (NM_001291860.2); short protein forms L2233M, L2232M.
Identifiers: ClinVar variation 1900646 (VCV001900646.6), dbSNP rs558851628, ClinGen allele CA671456.